The following is an entry in ClinVar:

NM_000051.4(ATM):c.5118A>G (p.Lys1706=)

Gene: ATM (ATM serine/threonine kinase; plus strand). Cytogenetic location: 11q22.3.
Variant type: single nucleotide variant.
Coding change: c.5118A>G on transcript NM_000051.4 (MANE Select); coding-DNA position 5118, A replaced by G.
Protein change: p.Lys1706=; no amino-acid change (lysine 1706 retained).
Molecular consequence: synonymous variant.
Genome position (GRCh38, 1-based): chr11:108,299,826, A>G. VCF-style: chr11-108299826-A-G. GRCh37 (hg19) VCF-style: chr11-108170553-A-G.
Other names: c.5118A>G, p.Lys1706= (NM_001351834.2).
Identifiers: ClinVar variation 741712 (VCV000741712.17), dbSNP rs3218672, ClinGen allele CA228386219.

ClinVar aggregate classification (germline): Benign/Likely benign. Review status: criteria provided, multiple submitters, no conflicts (2 of 4 stars). 4 submissions from 4 submitters: Benign (1); Likely benign (3). Last evaluated 2024-05-22.

Conditions:
Ataxia-telangiectasia syndrome (AT). Also called: AT, COMPLEMENTATION GROUP C; LOUIS-BAR SYNDROME; Ataxia telangiectasia (A-T); Cerebello-oculocutaneous telangiectasia; Immunodeficiency with ataxia telangiectasia; Ataxia-telangiectasia, complementation group D. Identifiers: Orphanet 100, MedGen C0004135, MONDO:0008840, OMIM 208900.
Hereditary cancer-predisposing syndrome. Also called: Hereditary neoplastic syndrome; Neoplastic Syndromes, Hereditary; Tumor predisposition; Hereditary Cancer Syndrome. Identifiers: Orphanet 140162, MedGen C0027672, MeSH D009386, MONDO:0015356.
Familial cancer of breast. Also called: hereditary breast carcinoma; BREAST CANCER, FAMILIAL; Hereditary breast cancer. Identifiers: Orphanet 227535, MedGen C0346153, MONDO:0016419, OMIM 114480. Disease mechanism: loss of function.

Allele frequency attached by ClinVar (database versions not stated): gnomAD exomes 0.00001.
gnomAD v4.1: 3 of 1,614,016 alleles (0.00019%); highest among the groups gnomAD compares: Non-Finnish European, 0.00025%; no homozygotes.

Submissions (4):

Myriad Genetics, Inc.
Classification: Benign for Familial cancer of breast. Last evaluated: 2024-05-22. Review status: criteria provided, single submitter. Criteria: Myriad Autosomal Dominant, Autosomal Recessive and X-Linked Classification Criteria (2023). Collection method: clinical testing. Allele origin: unknown.
Comment: This variant is considered benign. This variant is a silent/synonymous amino acid change and it is not expected to impact splicing.

Labcorp Genetics (formerly Invitae), Labcorp
Classification: Likely benign for Ataxia-telangiectasia syndrome. Last evaluated: 2023-10-22. Review status: criteria provided, single submitter. Criteria: Invitae Variant Classification Sherloc (09022015). Collection method: clinical testing. Allele origin: germline.

Color Diagnostics, LLC DBA Color Health
Classification: Likely benign for Hereditary cancer-predisposing syndrome. Last evaluated: 2019-09-03. Review status: criteria provided, single submitter. Criteria: ACMG Guidelines, 2015. Collection method: clinical testing. Allele origin: germline.

Ambry Genetics
Classification: Likely benign for Hereditary cancer-predisposing syndrome. Last evaluated: 2019-03-07. Review status: criteria provided, single submitter. Criteria: Ambry Variant Classification Scheme 2023. Collection method: clinical testing. Allele origin: germline.